The following is an entry in ClinVar:

ClinVar aggregate classification (germline): Likely benign (0 of 4 stars; one submission).

Conditions:
CELSR1-related disorder. Also called: CELSR1-related condition.

Allele frequency attached by ClinVar (database versions not stated): ESP Exome Variant Server 0.00008.
gnomAD v4.1: 22 of 1,612,372 alleles (0.0014%); highest among the groups gnomAD compares: African/African-American, 0.028%; no homozygotes.

Submission:

PreventionGenetics, part of Exact Sciences
Classification: Likely benign for CELSR1-related condition. Last evaluated: 2022-07-28. Review status: no assertion criteria provided. Collection method: clinical testing. Allele origin: germline.
Comment: This variant is classified as likely benign based on ACMG/AMP sequence variant interpretation guidelines (Richards et al. 2015 PMID: 25741868, with internal and published modifications).

NM_001378328.1(CELSR1):c.2112C>T (p.Ser704=)

Gene: CELSR1 (cadherin EGF LAG seven-pass G-type receptor 1; minus strand). Cytogenetic location: 22q13.31.
Variant type: single nucleotide variant.
Coding change: c.2112C>T on transcript NM_001378328.1 (MANE Select); coding-DNA position 2112, C replaced by T.
Protein change: p.Ser704=; no amino-acid change (serine 704 retained).
Molecular consequence: synonymous variant.
Genome position (GRCh38, 1-based): chr22:46,535,059, G>A on the plus strand (C>T on the coding strand, the complement: CELSR1 is on the minus strand). VCF-style: chr22-46535059-G-A. GRCh37 (hg19) VCF-style: chr22-46930956-G-A.
Other names: c.2112C>T, p.Ser704= (NM_014246.4).
Identifiers: ClinVar variation 3029626 (VCV003029626.2), dbSNP rs145293715, ClinGen allele CA10295321.